The following is an entry in ClinVar:

ClinVar aggregate classification (germline): Uncertain significance (1 of 4 stars; one submission).

Submission:

Labcorp Genetics (formerly Invitae), Labcorp
Classification: Uncertain significance. Last evaluated: 2025-07-31. Review status: criteria provided, single submitter. Criteria: Invitae Variant Classification Sherloc (09022015). Collection method: clinical testing. Allele origin: germline.
Comment: This sequence change creates a premature translational stop signal (p.Ser480Ilefs*3) in the POLG2 gene. While this is not anticipated to result in nonsense mediated decay, it is expected to disrupt the last 6 amino acid(s) of the POLG2 protein. This variant is not present in population databases (gnomAD no frequency). This variant has not been reported in the literature in individuals affected with POLG2-related conditions. Experimental studies and prediction algorithms are not available or were not evaluated, and the functional significance of this variant is currently unknown. In summary, the available evidence is currently insufficient to determine the role of this variant in disease. Therefore, it has been classified as a Variant of Uncertain Significance.

NM_007215.4(POLG2):c.1437_1438del (p.Ser480fs)

Genes: MILR1 (mast cell immunoglobulin like receptor 1; plus strand), POLG2 (DNA polymerase gamma 2, accessory subunit; minus strand). Cytogenetic location: 17q23.3.
Variant type: Microsatellite.
Coding change: c.1437_1438del on transcript NM_007215.4 (MANE Select); coding-DNA positions 1437 to 1438, 2 bases deleted (AT; older notation c.1437_1438delAT).
Protein change: p.Ser480fs; shifts the reading frame from serine 480.
Molecular consequence: frameshift variant.
Genome position (GRCh38, 1-based): chr17:64,477,843-64,477,844, AT deleted on the plus strand (AT on the coding strand, the reverse complement: POLG2 is on the minus strand); deleting any 2 consecutive bases within chr17:64,477,843-64,477,849 gives the same sequence; the c. name uses the placement nearest the transcript's 3' end. VCF-style (leftmost placement, unchanged base first): chr17-64477842-GAT-G. GRCh37 (hg19) VCF-style: chr17-62473959-GAT-G.
Other names: short protein forms S480fs.
Identifiers: ClinVar variation 4724159 (VCV004724159.1).